The following is an entry in ClinVar:

ClinVar aggregate classification (germline): Conflicting classifications of pathogenicity. Review status: criteria provided, conflicting classifications (1 of 4 stars). 10 submissions from 9 submitters: Uncertain significance (2); Benign (2); Likely benign (4). 2 of the submissions do not count toward it. Last evaluated 2026-09-01.

Conditions:
Familial cold autoinflammatory syndrome 2 (FCAS2). Identifiers: Orphanet 247868, MedGen C2673198, MONDO:0012724, OMIM 611762.
NLRP12-related disorder. Also called: NLRP12-related condition; NLRP12-related conditions.
Multisystem inflammatory syndrome in children. Identifiers: MedGen C5391534.
Autoinflammatory syndrome. Identifiers: Orphanet 93665, MedGen C3890737, MONDO:0019751.

Allele frequency attached by ClinVar (database versions not stated): ExAC 0.00167; 1000 Genomes Project 30x 0.00375; 1000 Genomes Project 0.00419; gnomAD 0.00432 and 0.00470; TOPMed 0.00498; ESP Exome Variant Server 0.00607.
gnomAD v4.1: 1,573 of 1,614,096 alleles (0.097%); highest among the groups gnomAD compares: African/African-American, 1.6%; 11 homozygotes.

Submissions (10):

CeGaT Center for Human Genetics Tuebingen
Classification: Likely benign. Last evaluated: 2026-09-01. Review status: criteria provided, single submitter. Criteria: CeGaT Center For Human Genetics Tuebingen Variant Classification Criteria Version 2. Collection method: clinical testing. Allele origin: germline. Affected: yes. Observed: 2 variant alleles.
Comment: NLRP12: BS1

Women's Health and Genetics/Laboratory Corporation of America, LabCorp
Classification: Benign. Last evaluated: 2026-02-12. Review status: criteria provided, single submitter. Criteria: LabCorp Variant Classification Summary - May 2015. Collection method: clinical testing. Allele origin: germline.
Comment: Variant summary: NLRP12 c.3046C>T (p.Arg1016X) results in a premature termination codon, predicted to cause a truncation of the encoded protein or absence of the protein due to nonsense mediated decay, however current evidence is not sufficient to establish loss of function as a mechanism for disease. The variant allele was found at a frequency of 0.0013 in 251376 control chromosomes, predominantly at a frequency of 0.017 within the African or African-American subpopulation in the gnomAD database, including 2 homozygotes. The observed variant frequency within African or African-American control individuals in the gnomAD database exceeds the estimated maximal expected allele frequency for disease-causing variants in NLRP12. c.3046C>T has been observed in an individual affected with Familial cold autoinflammatory syndrome 2 without clear evidence for causality (El Naofal_2023). These report(s) do not provide unequivocal conclusions about association of the variant with Familial cold autoinflammatory syndrome 2. To our knowledge, no experimental evidence demonstrating an impact on protein function has been reported. The following publication have been ascertained in the context of this evaluation (PMID: 36703223). ClinVar contains an entry for this variant (Variation ID: 330001). Based on the evidence outlined above, the variant was classified as benign.

Labcorp Genetics (formerly Invitae), Labcorp
Classification: Likely benign for Familial cold autoinflammatory syndrome 2. Last evaluated: 2026-01-27. Review status: criteria provided, single submitter. Criteria: Invitae Variant Classification Sherloc (09022015). Collection method: clinical testing. Allele origin: germline.

Blueprint Genetics
Classification: Likely benign. Last evaluated: 2024-09-23. Review status: criteria provided, single submitter. Criteria: ACMG Guidelines, 2015. Collection method: clinical testing. Allele origin: germline.

ARUP Laboratories, Molecular Genetics and Genomics, ARUP Laboratories
Classification: Uncertain significance for Familial cold autoinflammatory syndrome 2. Last evaluated: 2024-03-21. Review status: criteria provided, single submitter. Criteria: ARUP Molecular Germline Variant Investigation Process 2024. Collection method: clinical testing. Allele origin: germline.
Comment: The NLRP12 c.3046C>T; p.Arg1016Ter variant (rs35064500) is present in the African population with an allele frequency of 1.6% (401/24,956 alleles including 3 homozygotes) in the Genome Aggregation Database v2.1.1. To our knowledge, the variant has not been reported in any individuals with familial cold autoinflammatory syndrome, but has been reported in individuals with unrelated or non-specific conditions (Modi 2017, Ung 2017, Glicksberg 2019, El Naofal 2023) and is listed in the ClinVar Database (Variation ID: 330001). This variant results in a premature termination codon in the penultimate exon of the NLRP12 gene and is predicted to result in a truncated protein or mRNA subject to nonsense-mediated decay. Although the allele frequency of this variant may be incompatible with autosomal dominant familial autoinflammatory syndrome, given the lack of clinical and functional data, the significance of the p.Arg1016Ter variant is uncertain at this time. References: El Naofal M et al. The genomic landscape of rare disorders in the Middle East. Genome Med. 2023 Jan 27;15(1):5. PMID: 36703223 Glicksberg BS et al. Integrative analysis of loss-of-function variants in clinical and genomic data reveals novel genes associated with cardiovascular traits. BMC Med Genomics. 2019 Jul 25;12(Suppl 6):108. PMID: 31345219 Modi BP et al. Mutations in fetal genes involved in innate immunity and host defense against microbes increase risk of preterm premature rupture of membranes (PPROM). Mol Genet Genomic Med. 2017 Nov;5(6):720-729. Ung C et al. Whole exome sequencing identification of novel candidate genes in patients with proliferative diabetic retinopathy. Vision Res. 2017 Oct;139:168-176.

Genome Diagnostics Laboratory, The Hospital for Sick Children
Classification: Benign for Autoinflammatory syndrome. Last evaluated: 2022-04-13. Review status: criteria provided, single submitter. Criteria: ACMG Guidelines, 2015. Collection method: clinical testing. Allele origin: germline. Affected: yes.

Dubai Health Genomic Medicine Center, Dubai Health
Classification: Uncertain significance for Familial cold autoinflammatory syndrome 2. Last evaluated: 2020-09-06. Review status: criteria provided, single submitter. Criteria: ACMG Guidelines, 2015. Collection method: clinical testing. Allele origin: germline. Affected: yes.
Comment: The p.Arg1016* variant in NLRP12 has been previously reported in individuals with different clinical contexts (PMID: 28431867 29178652) and had conflicting interpretations by clinical laboratories (ClinVar ID: 330001). It was also identified in 401/24956 (1.6% 3 homozygotes) African alleles in the Genome Aggregation Database (gnomAD) and in 2/1982 (0.1% 0 homozygotes) total alleles in the Greater Middle East (GME) variome database. The African allele frequency is relatively high for high penetrance severe early-onset autosomal dominant disease but might still be consistent with disease characterized by incomplete penetrance and/or later onset. This nonsense variant leads to a premature termination codon at position 1016. This alteration occurs very close to the terminal 50 bases of the second to last exon and is predicted to result in a truncated protein since it is more likely to escape nonsense mediated decay (NMD). At least one downstream nonsense variant has been reported in a different patient with autoinflammatory disease (PMID: 31155445). In summary more information is needed to fully assess the clinical significance of this variant.

Illumina Laboratory Services, Illumina
Classification: Likely benign for Familial cold autoinflammatory syndrome 2. Last evaluated: 2017-04-27. Review status: criteria provided, single submitter. Criteria: ICSL Variant Classification Criteria 13 December 2019. Collection method: clinical testing. Allele origin: germline.
Comment: This variant was observed as part of a predisposition screen in an ostensibly healthy population. A literature search was performed for the gene, cDNA change, and amino acid change (where applicable). No publications were found based on this search. Allele frequency data from public databases allowed determination this variant is unlikely to cause disease. Therefore, this variant is classified as likely benign.

Dubai Health Genomic Medicine Center, Dubai Health
Classification: risk factor for Multisystem inflammatory syndrome in children. Last evaluated: 2021-11-14. Review status: no assertion criteria provided. Collection method: research. Allele origin: germline. Affected: yes. Not counted in ClinVar's aggregate classification.

PreventionGenetics, part of Exact Sciences
Classification: Likely benign for NLRP12-related condition. Last evaluated: 2020-01-06. Review status: no assertion criteria provided. Collection method: clinical testing. Allele origin: germline. Not counted in ClinVar's aggregate classification.
Comment: This variant is classified as likely benign based on ACMG/AMP sequence variant interpretation guidelines (Richards et al. 2015 PMID: 25741868, with internal and published modifications).

Literature cited by the submitters: PubMed 36703223 (cited by Women's Health and Genetics/Laboratory Corporation of America, LabCorp).

NM_144687.4(NLRP12):c.3046C>T (p.Arg1016Ter)

Gene: NLRP12 (NLR family pyrin domain containing 12; minus strand). Cytogenetic location: 19q13.42.
Variant type: single nucleotide variant.
Coding change: c.3046C>T on transcript NM_144687.4 (MANE Select); coding-DNA position 3046, C replaced by T.
Protein change: p.Arg1016Ter; replaces arginine 1016 with a stop codon.
Molecular consequence: nonsense.
Genome position (GRCh38, 1-based): chr19:53,795,911, G>A on the plus strand (C>T on the coding strand, the complement: NLRP12 is on the minus strand). VCF-style: chr19-53795911-G-A. GRCh37 (hg19) VCF-style: chr19-54299165-G-A.
Other names: c.3049C>T, p.Arg1017Ter (NM_001277126.2); c.2875C>T, p.Arg959Ter (NM_001277129.1); short protein forms R1016*, R1017*, R959*.
Identifiers: ClinVar variation 330001 (VCV000330001.66), dbSNP rs35064500, ClinGen allele CA9638793.
Genomic context (GRCh38, chr19:53,795,911, plus strand): 5'-TCCCTCACCAGAGGACTCGGAGTTTGCAGCCAGGATGGCTCAGCCGCTTGCAAAGCAGTC[G>A]GACACCTGTGTCCCCTAGGGCGTTGTTGGTCAGGTAAAGGTCGGTCAAGGTCTGGTTGAT-3'